The following is an entry in ClinVar:

ClinVar aggregate classification (germline): Pathogenic/Likely pathogenic. Review status: criteria provided, multiple submitters, no conflicts (2 of 4 stars). 3 submissions from 3 submitters: Pathogenic (1); Likely pathogenic (1). 1 of the submissions does not count toward it. Last evaluated 2026-07-25.

Conditions:
VPS13B-related disorder. Also called: VPS13B-related condition.
Cohen syndrome (COH1). Also called: Cutis verticis gyrata, retinitis pigmentosa, and sensorineural deafness; PEPPER SYNDROME. Identifiers: Orphanet 193, MedGen C0265223, MONDO:0008999, OMIM 216550.

Submissions (3):

PreventionGenetics, part of Exact Sciences
Classification: Likely pathogenic for VPS13B-related condition. Last evaluated: 2026-07-25. Review status: criteria provided, single submitter. Criteria: ACMG Guidelines, 2015. Collection method: clinical testing. Allele origin: germline.
Comment: The VPS13B c.9300_9303delATCT variant is predicted to result in a frameshift and premature protein termination (p.Val3102Alafs*29). This variant has been reported in the homozygous state in a patient with neutropaenia (Marti et al. 2025. PubMed ID: 40510848). This variant is reported in 0.0016% of alleles in individuals of European (non-Finnish) descent in gnomAD. Frameshift variants in VPS13B are expected to be pathogenic. This variant is interpreted as likely pathogenic.

Labcorp Genetics (formerly Invitae), Labcorp
Classification: Pathogenic for Cohen syndrome. Last evaluated: 2020-12-22. Review status: criteria provided, single submitter. Criteria: Invitae Variant Classification Sherloc (09022015). Collection method: clinical testing. Allele origin: germline.
Comment: This sequence change creates a premature translational stop signal (p.Val3127Alafs*29) in the VPS13B gene. It is expected to result in an absent or disrupted protein product. Loss-of-function variants in VPS13B are known to be pathogenic (PMID: 15141358, 16648375, 20461111). This variant is present in population databases (rs773945333, ExAC 0.002%). This variant has not been reported in the literature in individuals with VPS13B-related conditions. ClinVar contains an entry for this variant (Variation ID: 552844). For these reasons, this variant has been classified as Pathogenic.

Counsyl
Classification: Likely pathogenic for Cohen syndrome. Last evaluated: 2017-07-11. Review status: no assertion criteria provided. Collection method: clinical testing. Allele origin: unknown. Not counted in ClinVar's aggregate classification.

Literature cited by the submitters: PubMed 15141358 (cited by Labcorp Genetics (formerly Invitae), Labcorp); PubMed 16648375 (cited by Labcorp Genetics (formerly Invitae), Labcorp); PubMed 20461111 (cited by Labcorp Genetics (formerly Invitae), Labcorp).

NM_152564.5(VPS13B):c.9300_9303del (p.Val3102fs)

Gene: VPS13B (vacuolar protein sorting 13 homolog B; plus strand). Cytogenetic location: 8q22.2.
Variant type: Deletion.
Coding change: c.9300_9303del on transcript NM_152564.5 (MANE Select); coding-DNA positions 9300 to 9303, 4 bases deleted (ATCT; older notation c.9300_9303delATCT).
Protein change: p.Val3102fs; shifts the reading frame from valine 3102.
Molecular consequence: frameshift variant.
Genome position (GRCh38, 1-based): chr8:99,823,948-99,823,951, ATCT deleted; deleting any 4 consecutive bases within chr8:99,823,946-99,823,951 gives the same sequence; the c. name uses the placement nearest the transcript's 3' end. VCF-style (leftmost placement, unchanged base first): chr8-99823945-GCTAT-G. GRCh37 (hg19) VCF-style: chr8-100836173-GCTAT-G.
Other names: c.9375_9378del, p.Val3127fs (NM_017890.5); c.9300_9303delATCT (NM_152564.4); c.9375_9378delATCT (NM_017890.4); short protein forms V3102fs, V3127fs.
Identifiers: ClinVar variation 552844 (VCV000552844.10), dbSNP rs773945333, ClinGen allele CA4824659.
Genomic context (GRCh38, chr8:99,823,945, plus strand): 5'-GATTGAAGACAAGACTACAATAATCAATAATACACCATATCAAATATTTTATAAACCACA[GCTAT>G]CTGTCTGCAATCCCCATTCTGGAAAGGAGGTAAGCAAATCATAACGATTCTTTTGTCTAA-3'